The following is an entry in ClinVar:

NM_000553.6(WRN):c.1042G>T (p.Asp348Tyr)

Gene: WRN (WRN RecQ like helicase; plus strand). Cytogenetic location: 8p12.
Variant type: single nucleotide variant.
Coding change: c.1042G>T on transcript NM_000553.6 (MANE Select); coding-DNA position 1042, G replaced by T.
Protein change: p.Asp348Tyr; replaces aspartic acid 348 with tyrosine.
Molecular consequence: missense variant.
Genome position (GRCh38, 1-based): chr8:31,081,069, G>T. VCF-style: chr8-31081069-G-T. GRCh37 (hg19) VCF-style: chr8-30938585-G-T.
Other names: short protein forms D348Y.
Identifiers: ClinVar variation 2126325 (VCV002126325.4), dbSNP rs2130119292, ClinGen allele CA370920398.

ClinVar aggregate classification (germline): Uncertain significance (1 of 4 stars; one submission).

Conditions:
Werner syndrome (WRN). Identifiers: Orphanet 902, MedGen C0043119, MONDO:0010196, OMIM 277700.

Allele frequency attached by ClinVar (database versions not stated): gnomAD exomes below 0.00001.
gnomAD v4.1: 1 of 1,613,986 alleles (0.000062%); highest among the groups gnomAD compares: Non-Finnish European, 0.000085%; no homozygotes.

Submission:

Labcorp Genetics (formerly Invitae), Labcorp
Classification: Uncertain significance for Werner syndrome. Last evaluated: 2022-04-15. Review status: criteria provided, single submitter. Criteria: Invitae Variant Classification Sherloc (09022015). Collection method: clinical testing. Allele origin: germline.
Comment: This sequence change replaces aspartic acid, which is acidic and polar, with tyrosine, which is neutral and polar, at codon 348 of the WRN protein (p.Asp348Tyr). This variant is not present in population databases (gnomAD no frequency). This variant has not been reported in the literature in individuals affected with WRN-related conditions. Algorithms developed to predict the effect of missense changes on protein structure and function are either unavailable or do not agree on the potential impact of this missense change (SIFT: "Not Available"; PolyPhen-2: "Possibly Damaging"; Align-GVGD: "Not Available"). In summary, the available evidence is currently insufficient to determine the role of this variant in disease. Therefore, it has been classified as a Variant of Uncertain Significance.